The following is an entry in ClinVar:

ClinVar aggregate classification (germline): Uncertain significance (1 of 4 stars; one submission).

gnomAD v4.1: 3 of 1,613,676 alleles (0.00019%); highest among the groups gnomAD compares: South Asian, 0.0033%; no homozygotes.

Submission:

Labcorp Genetics (formerly Invitae), Labcorp
Classification: Uncertain significance. Last evaluated: 2024-12-06. Review status: criteria provided, single submitter. Criteria: Invitae Variant Classification Sherloc (09022015). Collection method: clinical testing. Allele origin: germline.
Comment: This sequence change replaces glycine, which is neutral and non-polar, with arginine, which is basic and polar, at codon 311 of the ANLN protein (p.Gly311Arg). This variant is present in population databases (no rsID available, gnomAD 0.003%). This variant has not been reported in the literature in individuals affected with ANLN-related conditions. Invitae Evidence Modeling of protein sequence and biophysical properties (such as structural, functional, and spatial information, amino acid conservation, physicochemical variation, residue mobility, and thermodynamic stability) indicates that this missense variant is not expected to disrupt ANLN protein function with a negative predictive value of 80%. In summary, the available evidence is currently insufficient to determine the role of this variant in disease. Therefore, it has been classified as a Variant of Uncertain Significance.

NM_018685.5(ANLN):c.931G>A (p.Gly311Arg)

Gene: ANLN (anillin, actin binding protein; plus strand). Cytogenetic location: 7p14.2.
Variant type: single nucleotide variant.
Coding change: c.931G>A on transcript NM_018685.5 (MANE Select); coding-DNA position 931, G replaced by A.
Protein change: p.Gly311Arg; replaces glycine 311 with arginine.
Molecular consequence: missense variant.
Genome position (GRCh38, 1-based): chr7:36,407,791, G>A. VCF-style: chr7-36407791-G-A. GRCh37 (hg19) VCF-style: chr7-36447400-G-A.
Other names: c.931G>A, p.Gly311Arg (NM_001284301.3, NM_001284302.3); short protein forms G311R.
Identifiers: ClinVar variation 3677215 (VCV003677215.2).
Genomic context (GRCh38, chr7:36,407,791, plus strand): 5'-CAGAAAGCTACTTCTCCAGTGAAATCTACTACATCTATCACTGATGCTAAAAGTTGTGAG[G>A]GACAAAATCCTGAGCTACTTCCAAAAACTCCTATTAGTCCTCTGAAAACGGGGGTATCGA-3'
Protein context (NP_061155.2, residues 301-321): TSITDAKSCE[Gly311Arg]QNPELLPKTP